The following is an entry in ClinVar:

NM_001037283.2(EIF3B):c.695A>T (p.Tyr232Phe)

Gene: EIF3B (eukaryotic translation initiation factor 3 subunit B; plus strand). Cytogenetic location: 7p22.3.
Variant type: single nucleotide variant.
Coding change: c.695A>T on transcript NM_001037283.2 (MANE Select); coding-DNA position 695, A replaced by T.
Protein change: p.Tyr232Phe; replaces tyrosine 232 with phenylalanine.
Molecular consequence: missense variant. On other transcripts: 5 prime UTR variant (2).
Genome position (GRCh38, 1-based): chr7:2,362,647, A>T. VCF-style: chr7-2362647-A-T. GRCh37 (hg19) VCF-style: chr7-2402282-A-T.
Other names: c.695A>T, p.Tyr232Phe (NM_001362791.2, NM_003751.4); c.-122A>T (NM_001362792.2, NM_001362793.2); short protein forms Y232F.
Identifiers: ClinVar variation 4529700 (VCV004529700.1).
Genomic context (GRCh38, chr7:2,362,647, plus strand): 5'-GCGCATACCTGCCTAGCCTTACAGTGTGGGTATGTGCCAACGGCCCTCTCTCACTCAGGT[A>T]TATTTTCCTGGAGTACGCGTCCCCTGCCCACGCTGTGGATGCTGTGAAGAACGCCGACGG-3'
Protein context (NP_001032360.1, residues 222-242): YPEEDGKTKG[Tyr232Phe]IFLEYASPAH

ClinVar aggregate classification (germline): Uncertain significance (1 of 4 stars; one submission).

gnomAD v4.1: 4 of 1,614,108 alleles (0.00025%); highest among the groups gnomAD compares: Non-Finnish European, 0.00034%; no homozygotes.

Submission:

GeneDx
Classification: Uncertain significance. Last evaluated: 2022-07-13. Review status: criteria provided, single submitter. Criteria: GeneDx Variant Classification Process June 2021. Collection method: clinical testing. Allele origin: germline. Affected: yes.
Comment: Not observed at significant frequency in large population cohorts (gnomAD); In silico analysis supports that this missense variant has a deleterious effect on protein structure/function; Has not been previously published as pathogenic or benign to our knowledge; Variants in candidate genes are classified as variants of uncertain significance in accordance with ACMG guidelines (Richards et al., 2015)